The following is an entry in ClinVar:

NM_182914.3(SYNE2):c.9442G>A (p.Glu3148Lys)

Gene: SYNE2 (spectrin repeat containing nuclear envelope protein 2; plus strand). Cytogenetic location: 14q23.2.
Variant type: single nucleotide variant.
Coding change: c.9442G>A on transcript NM_182914.3 (MANE Select); coding-DNA position 9442, G replaced by A.
Protein change: p.Glu3148Lys; replaces glutamic acid 3148 with lysine.
Molecular consequence: missense variant.
Genome position (GRCh38, 1-based): chr14:64,053,355, G>A. VCF-style: chr14-64053355-G-A. GRCh37 (hg19) VCF-style: chr14-64520073-G-A.
Other names: c.9442G>A (NM_182914.2); c.9442G>A, p.Glu3148Lys (NM_015180.6); short protein forms E3148K.
Identifiers: ClinVar variation 2080366 (VCV002080366.5), dbSNP rs371734893, ClinGen allele CA7221268.

ClinVar aggregate classification (germline): Uncertain significance. Review status: criteria provided, multiple submitters, no conflicts (2 of 4 stars). 2 submissions from 2 submitters: Uncertain significance (2). Last evaluated 2025-07-09.

Conditions:
Emery-Dreifuss muscular dystrophy 5, autosomal dominant (EDMD5). Also called: EMERY-DREIFUSS MUSCULAR DYSTROPHY 5. Identifiers: Orphanet 261, MedGen C2751805, MONDO:0013072, OMIM 612999.

Allele frequency attached by ClinVar (database versions not stated): ExAC 0.00001; TOPMed 0.00002; gnomAD 0.00005.
gnomAD v4.1: 8 of 1,613,448 alleles (0.0005%); highest among the groups gnomAD compares: African/African-American, 0.011%; no homozygotes.

Submissions (2):

Labcorp Genetics (formerly Invitae), Labcorp
Classification: Uncertain significance for Emery-Dreifuss muscular dystrophy 5, autosomal dominant. Last evaluated: 2025-07-09. Review status: criteria provided, single submitter. Criteria: Invitae Variant Classification Sherloc (09022015). Collection method: clinical testing. Allele origin: germline.
Comment: This sequence change replaces glutamic acid, which is acidic and polar, with lysine, which is basic and polar, at codon 3148 of the SYNE2 protein (p.Glu3148Lys). This variant is present in population databases (rs371734893, gnomAD 0.02%). This variant has not been reported in the literature in individuals affected with SYNE2-related conditions. ClinVar contains an entry for this variant (Variation ID: 2080366). An algorithm developed to predict the effect of missense changes on protein structure and function outputs the following: PolyPhen-2: "Benign". The lysine amino acid residue is found in multiple mammalian species, which suggests that this missense change does not adversely affect protein function. In summary, the available evidence is currently insufficient to determine the role of this variant in disease. Therefore, it has been classified as a Variant of Uncertain Significance.

Ambry Genetics
Classification: Uncertain significance. Last evaluated: 2025-05-21. Review status: criteria provided, single submitter. Criteria: Ambry Variant Classification Scheme 2023. Collection method: clinical testing. Allele origin: germline.